The following continues an entry in ClinVar:

NM_017777.4(MKS1):c.417G>A (p.Glu139=)

Gene: MKS1. ClinVar aggregate classification (germline): Conflicting classifications of pathogenicity. Pathogenic (8); Likely pathogenic (4); Uncertain significance (1).

Submissions 11 to 24 of 24:

Laboratory for Molecular Medicine, Mass General Brigham Personalized Medicine
Classification: Likely pathogenic for Meckel-Gruber syndrome. Last evaluated: 2017-07-31. Review status: criteria provided, single submitter. Criteria: LMM Criteria. Collection method: clinical testing. Allele origin: germline. Inheritance: Autosomal recessive inheritance. Observed: 1 variant allele.
Comment: The p.Glu139Glu (NM_017777.3 c.417G>A) variant in MKS1 has been reported in 8 co mpound heterozygous individuals with Meckel syndrome and 1 compound heterozygous individual with Joubert syndrome (Consugar 2007, Khaddour 2007, Frank 2007, Tal lila 2009, Bachmann-Gagescu 2015). This variant is located in the last base of t he exon, which is part of the 5? splice region, and has been demonstrated to imp act splicing in patient cells (Consugar 2007). It has been identified in 31/126, 722 European chromosomes by the Genome Aggregation Database (gnomAD; dbSNP rs386834048, rs370514840). Although this variant ha s been seen in the general population, its frequency is low enough to be consist ent with a recessive carrier frequency. Biallelic loss of function of the MKS1 g ene is associated with Meckel syndrome and Joubert syndrome. In summary, the p. Glu139Glu variant is likely pathogenic for Meckel syndrome in an autosomal reces sive manner based on its occurrence in affected individuals and demonstrated imp act on splicing.

Eurofins Ntd Llc (ga)
Classification: Uncertain significance. Last evaluated: 2016-03-14. Review status: criteria provided, single submitter. Criteria: EGL Classification Definitions 2015. Collection method: clinical testing. Allele origin: germline. Observed: 1 variant allele, 1 heterozygote.

UW Hindbrain Malformation Research Program, University of Washington
Classification: Pathogenic for Joubert syndrome. Last evaluated: 2015-02-23. Review status: criteria provided, single submitter. Criteria: Bachmann-Gagescu et al. (J Med Genet. 2015). Collection method: research. Allele origin: unknown. Affected: yes.

PreventionGenetics, part of Exact Sciences
Classification: Likely pathogenic for MKS1-related condition. Last evaluated: 2024-04-09. Review status: no assertion criteria provided. Collection method: clinical testing. Allele origin: germline. Not counted in ClinVar's aggregate classification.
Comment: The MKS1 c.417G>A is a noncoding alteration. This variant is predicted to alter splicing based on available splicing prediction programs (SpliceAI, Jaganathan et al. 2019. PubMed ID: 30661751). This variant has been reported in individuals with Joubert syndrome (Table S5, Bachmann-Gagescu et al. 2015. PubMed ID: 26092869; Supplemental Table II, Summers et al. 2017. PubMed ID: 28497568) and Meckel syndrome (Consugar et al. 2007. PubMed ID: 17377820; Meier et al. 2019. PubMed ID: 30679815). mRNA studies in affected individual's fibroblasts confirmed that this variant results in the skipping of exon 4 (Consugar et al. 2007. PubMed ID: 17377820). This variant is reported in 0.039% of alleles in individuals of Ashkenazi Jewish descent in gnomAD. This variant is interpreted as likely pathogenic.

Counsyl
Classification: Likely pathogenic for Meckel syndrome, type 1; Bardet-Biedl syndrome 13; Joubert syndrome 28. Last evaluated: 2017-04-24. Review status: no assertion criteria provided. Collection method: clinical testing. Allele origin: unknown. Not counted in ClinVar's aggregate classification.

OMIM
Classification: Pathogenic for MECKEL SYNDROME, TYPE 1. Last evaluated: 2007-06-01. Review status: no assertion criteria provided. Collection method: literature only. Allele origin: germline. Not counted in ClinVar's aggregate classification.

Clinical Genetics DNA and cytogenetics Diagnostics Lab, Erasmus MC, Erasmus Medical Center
Classification: Likely pathogenic. Review status: no assertion criteria provided. Collection method: clinical testing. Allele origin: germline. Affected: yes. Study: VKGL Data-share Consensus. Not counted in ClinVar's aggregate classification.

Clinical Genetics, Academic Medical Center
Classification: Likely pathogenic. Review status: no assertion criteria provided. Collection method: clinical testing. Allele origin: germline. Affected: yes. Study: VKGL Data-share Consensus. Not counted in ClinVar's aggregate classification.

Dr. Peter K. Rogan Lab, Western University
No classification provided (evidence only). Condition: Uterine corpus endometrial carcinoma. Review status: no classification provided. Collection method: in vitro. Allele origin: not applicable. Functional consequence: skipped exon, retained intron. Not counted in ClinVar's aggregate classification.

Dr. Peter K. Rogan Lab, Western University
No classification provided (evidence only). Condition: Uterine carcinosarcoma. Review status: no classification provided. Collection method: in vitro. Allele origin: not applicable. Functional consequence: skipped exon, retained intron. Not counted in ClinVar's aggregate classification.

Genome Diagnostics Laboratory, Amsterdam University Medical Center
Classification: Likely pathogenic. Review status: no assertion criteria provided. Collection method: clinical testing. Allele origin: germline. Affected: yes. Study: VKGL Data-share Consensus. Not counted in ClinVar's aggregate classification.

Genome Diagnostics Laboratory, University Medical Center Utrecht
Classification: Pathogenic. Review status: no assertion criteria provided. Collection method: clinical testing. Allele origin: germline. Affected: yes. Study: VKGL Data-share Consensus. Not counted in ClinVar's aggregate classification.

Joint Genome Diagnostic Labs from Nijmegen and Maastricht, Radboudumc and MUMC+
Classification: Likely pathogenic. Review status: no assertion criteria provided. Collection method: clinical testing. Allele origin: germline. Affected: yes. Study: VKGL Data-share Consensus. Not counted in ClinVar's aggregate classification.

Juha Muilu Group; Institute for Molecular Medicine Finland (FIMM)
Classification: Likely pathogenic for Meckel syndrome type1. Review status: no assertion criteria provided. Collection method: not provided. Allele origin: unknown. Not counted in ClinVar's aggregate classification.
Comment: FinDis database variant: This variant was not found or characterized by our laboratory, data were collected from public sources: see reference
ClinVar note: Converted during submission from probable-pathogenic to Likely pathogenic.

Literature cited by the submitters: PubMed 17377820 (cited by 9 submitters); PubMed 17397051 (cited by 7 submitters); PubMed 17437276 (cited by 7 submitters); PubMed 26092869 (cited by 6 submitters); PubMed 26490104 (cited by 3 submitters); PubMed 28497568 (cited by 4 submitters); PubMed 17576681 (cited by Labcorp Genetics (formerly Invitae), Labcorp); PubMed 9536098 (cited by Labcorp Genetics (formerly Invitae), Labcorp); PubMed 2609286 (cited by Dasa); PubMed 19466712 (cited by Women's Health and Genetics/Laboratory Corporation of America, LabCorp); PubMed 30679815 (cited by Women's Health and Genetics/Laboratory Corporation of America, LabCorp); PubMed 23736532 (cited by Laboratory for Molecular Medicine, Mass General Brigham Personalized Medicine).